The following is an entry in ClinVar:

NM_001009944.3(PKD1):c.11352_11355dup (p.Glu3786fs)

Genes: PKD1 (polycystin 1, transient receptor potential channel interacting; minus strand), PKD1-AS1 (PKD1 antisense RNA 1; plus strand). Cytogenetic location: 16p13.3.
Variant type: Duplication.
Coding change: c.11352_11355dup on transcript NM_001009944.3 (MANE Select); coding-DNA positions 11352 to 11355, 4 bases duplicated (CTGG; older notation c.11352_11355dupCTGG).
Protein change: p.Glu3786fs; shifts the reading frame from glutamic acid 3786.
Molecular consequence: frameshift variant.
Genome position (GRCh38, 1-based): chr16:2,092,103-2,092,106, CCAG duplicated on the plus strand (CTGG on the coding strand, the reverse complement: PKD1 is on the minus strand); duplicating any 4 consecutive bases within chr16:2,092,103-2,092,109 gives the same sequence; the c. name uses the placement nearest the transcript's 3' end. VCF-style (leftmost placement, unchanged base first): chr16-2092102-C-CCCAG. GRCh37 (hg19) VCF-style: chr16-2142103-C-CCCAG.
Other names: c.11349_11352dup, p.Glu3785fs (NM_000296.4); c.11352_11355dup (NM_001009944.2); short protein forms E3786fs, E3785fs.
Identifiers: ClinVar variation 3578942 (VCV003578942.3).

ClinVar aggregate classification (germline): Pathogenic. Review status: criteria provided, multiple submitters, no conflicts (2 of 4 stars). 2 submissions from 2 submitters: Pathogenic (2). Last evaluated 2026-02-10.

Conditions:
Polycystic kidney disease, adult type (PKD1). Also called: POLYCYSTIC KIDNEY DISEASE 1 WITH OR WITHOUT POLYCYSTIC LIVER DISEASE; Polycystic Kidney Disease 1, Autosomal Dominant; Polycystic kidney disease 1; Polycystic kidney disease 1, severe; Polycystic Kidney, Autosomal Dominant; POLYCYSTIC KIDNEY DISEASE, ADULT, TYPE I. Identifiers: MedGen C3149841, MONDO:0008263, OMIM 173900.

Submissions (2):

GeneDx
Classification: Pathogenic. Last evaluated: 2026-02-10. Review status: criteria provided, single submitter. Criteria: GeneDx Variant Classification Process June 2021. Collection method: clinical testing. Allele origin: germline.
Comment: Frameshift variant predicted to result in protein truncation or nonsense mediated decay in a gene for which loss of function is a known mechanism of disease; Not observed at significant frequency in large population cohorts (gnomAD); Has not been previously published as pathogenic or benign to our knowledge

Fulgent Genetics
Classification: Pathogenic for Polycystic kidney disease, adult type. Last evaluated: 2024-04-08. Review status: criteria provided, single submitter. Criteria: ACMG Guidelines, 2015. Collection method: clinical testing. Allele origin: germline.